The following is an entry in ClinVar:

ClinVar aggregate classification (germline): Uncertain significance (1 of 4 stars; one submission).

Submission:

GeneDx
Classification: Uncertain significance. Last evaluated: 2024-02-02. Review status: criteria provided, single submitter. Criteria: GeneDx Variant Classification Process June 2021. Collection method: clinical testing. Allele origin: germline. Affected: yes.
Comment: Not observed at significant frequency in large population cohorts (gnomAD); In silico analysis supports that this missense variant has a deleterious effect on protein structure/function; Has not been previously published as pathogenic or benign to our knowledge

NM_001367721.1(CASK):c.2144A>G (p.Lys715Arg)

Gene: CASK (calcium/calmodulin dependent serine protein kinase; minus strand). Cytogenetic location: Xp11.4.
Variant type: single nucleotide variant.
Coding change: c.2144A>G on transcript NM_001367721.1 (MANE Select); coding-DNA position 2144, A replaced by G.
Protein change: p.Lys715Arg; replaces lysine 715 with arginine.
Molecular consequence: missense variant.
Genome position (GRCh38, 1-based): chrX:41,542,702, T>C on the plus strand (A>G on the coding strand, the complement: CASK is on the minus strand). VCF-style: chrX-41542702-T-C. GRCh37 (hg19) VCF-style: chrX-41401955-T-C.
Other names: c.2075A>G, p.Lys692Arg (NM_001126054.3); c.2057A>G, p.Lys686Arg (NM_001126055.3); c.2126A>G, p.Lys709Arg (NM_001410745.1); c.2144A>G, p.Lys715Arg (NM_003688.4); short protein forms K686R, K692R, K709R, K715R.
Identifiers: ClinVar variation 3368702 (VCV003368702.1).